The following is an entry in ClinVar:

ClinVar aggregate classification (germline): Uncertain significance. Review status: criteria provided, multiple submitters, no conflicts (2 of 4 stars). 2 submissions from 2 submitters: Uncertain significance (2). Last evaluated 2022-04-13.

Allele frequency attached by ClinVar (database versions not stated): gnomAD exomes below 0.00001.
gnomAD v4.1: 1 of 1,614,108 alleles (0.000062%); highest among the groups gnomAD compares: Non-Finnish European, 0.000085%; no homozygotes.

Submissions (2):

Labcorp Genetics (formerly Invitae), Labcorp
Classification: Uncertain significance. Last evaluated: 2022-04-13. Review status: criteria provided, single submitter. Criteria: Invitae Variant Classification Sherloc (09022015). Collection method: clinical testing. Allele origin: germline.
Comment: This sequence change replaces threonine, which is neutral and polar, with arginine, which is basic and polar, at codon 136 of the DENND5A protein (p.Thr136Arg). This variant is not present in population databases (gnomAD no frequency). This variant has not been reported in the literature in individuals affected with DENND5A-related conditions. ClinVar contains an entry for this variant (Variation ID: 1303695). Algorithms developed to predict the effect of missense changes on protein structure and function are either unavailable or do not agree on the potential impact of this missense change (SIFT: "Deleterious"; PolyPhen-2: "Probably Damaging"; Align-GVGD: "Class C0"). In summary, the available evidence is currently insufficient to determine the role of this variant in disease. Therefore, it has been classified as a Variant of Uncertain Significance.

GeneDx
Classification: Uncertain significance. Last evaluated: 2019-04-11. Review status: criteria provided, single submitter. Criteria: GeneDx Variant Classification Process June 2021. Collection method: clinical testing. Allele origin: germline. Affected: yes.
Comment: Not observed in large population cohorts (Lek et al., 2016); In silico analysis, which includes protein predictors and evolutionary conservation, supports a deleterious effect; Has not been previously published as pathogenic or benign to our knowledge

NM_015213.4(DENND5A):c.407C>G (p.Thr136Arg)

Gene: DENND5A (DENN domain containing 5A; minus strand). Cytogenetic location: 11p15.4.
Variant type: single nucleotide variant.
Coding change: c.407C>G on transcript NM_015213.4 (MANE Select); coding-DNA position 407, C replaced by G.
Protein change: p.Thr136Arg; replaces threonine 136 with arginine.
Molecular consequence: missense variant. On other transcripts: non-coding transcript variant (1).
Genome position (GRCh38, 1-based): chr11:9,204,202, G>C on the plus strand (C>G on the coding strand, the complement: DENND5A is on the minus strand). VCF-style: chr11-9204202-G-C. GRCh37 (hg19) VCF-style: chr11-9225749-G-C.
Other names: c.407C>G, p.Thr136Arg (NM_001243254.2); c.335C>G, p.Thr112Arg (NM_001348749.2); c.119C>G, p.Thr40Arg (NM_001348750.2); short protein forms T112R, T136R, T40R.
Identifiers: ClinVar variation 1303695 (VCV001303695.8), dbSNP rs1849618485, ClinGen allele CA379600133.
Genomic context (GRCh38, chr11:9,204,202, plus strand): 5'-ATGTGGTAGAGGGTCTGCATTGCACTGCAGATCTGCTTGCTAGTCACCTCTTCATAAAAT[G>C]TGAGGGCAAACCCAAATGTCCGAGAGCCATCCTCCCTTGTGATAATAAAGGCATGGAATT-3'
Protein context (NP_056028.2, residues 126-146): DGSRTFGFAL[Thr136Arg]FYEEVTSKQI